The following is an entry in ClinVar:

ClinVar aggregate classification (germline): Benign. Review status: criteria provided, multiple submitters, no conflicts (2 of 4 stars). 4 submissions from 3 submitters: Benign (4). Last evaluated 2021-05-22.

Conditions:
Isolated microphthalmia 2. Identifiers: Orphanet 2542, MedGen C1864720, MONDO:0012409, OMIM 610093.
Microphthalmia, isolated, with coloboma 3 (MCOPCB3). Also called: MICROPHTHALMIA/COLOBOMA 3; MICROPHTHALMIA, COLOBOMATOUS, 3. Identifiers: Orphanet 98938, MedGen C1864721, MONDO:0012408, OMIM 610092.

Allele frequency attached by ClinVar (database versions not stated): gnomAD exomes 0.02209; gnomAD 0.07191 and 0.06791; 1000 Genomes Project 30x 0.07745; 1000 Genomes Project 0.07308; TOPMed 0.07547.
gnomAD v4.1: 10,881 of 179,442 alleles (6.1%); highest among the groups gnomAD compares: African/African-American, 20%; 928 homozygotes.

Submissions (4):

GeneDx
Classification: Benign. Last evaluated: 2021-05-22. Review status: criteria provided, single submitter. Criteria: GeneDx Variant Classification Process June 2021. Collection method: clinical testing. Allele origin: germline. Affected: yes.

Illumina Laboratory Services, Illumina
Classification: Benign for Microphthalmia, isolated, with coloboma 3. Last evaluated: 2018-01-13. Review status: criteria provided, single submitter. Criteria: ICSL Variant Classification Criteria 13 December 2019. Collection method: clinical testing. Allele origin: germline.
Comment: This variant was observed in the ICSL laboratory as part of a predisposition screen in an ostensibly healthy population. It had not been previously curated by ICSL or reported in the Human Gene Mutation Database (HGMD: prior to June 1st, 2018), and was therefore a candidate for classification through an automated scoring system. Utilizing variant allele frequency, disease prevalence and penetrance estimates, and inheritance mode, an automated score was calculated to assess if this variant is too frequent to cause the disease. Based on the score and internal cut-off values, a variant classified as benign is not then subjected to further curation. The score for this variant resulted in a classification of benign for this disease.

Illumina Laboratory Services, Illumina
Classification: Benign for Isolated microphthalmia 2. Last evaluated: 2018-01-13. Review status: criteria provided, single submitter. Criteria: ICSL Variant Classification Criteria 13 December 2019. Collection method: clinical testing. Allele origin: germline.
Comment: the same text as in the submission from Illumina Laboratory Services, Illumina above.

Breakthrough Genomics
Classification: Benign. Review status: criteria provided, single submitter. Criteria: ACMG Guidelines, 2015. Collection method: not provided. Allele origin: germline. Inheritance: Autosomal recessive inheritance. Affected: yes.

NM_182894.3(VSX2):c.*455C>T

Gene: VSX2 (visual system homeobox 2; plus strand). Cytogenetic location: 14q24.3.
Variant type: single nucleotide variant.
Coding change: c.*455C>T on transcript NM_182894.3 (MANE Select); 455 bases downstream of the stop codon, C replaced by T.
Molecular consequence: 3 prime UTR variant.
Genome position (GRCh38, 1-based): chr14:74,261,374, C>T. VCF-style: chr14-74261374-C-T. GRCh37 (hg19) VCF-style: chr14-74728077-C-T.
Identifiers: ClinVar variation 314212 (VCV000314212.7), dbSNP rs73309254, ClinGen allele CA10646011.
Genomic context (GRCh38, chr14:74,261,374, plus strand): 5'-GCATTGTGAATTGCCTGCCATGGCTGTGACACAGACGGAGGACTGGAACTGCAACTCCAG[C>T]GTCCTCAGCACCCCACTCCTCAGTAAAAGTCTTCTCCCAACTCAGCCTGTTCCTTCCTGC-3'